The following is an entry in ClinVar:

ClinVar aggregate classification (germline): Uncertain significance (1 of 4 stars; one submission).

Conditions:
Familial melanoma. Also called: Hereditary melanoma; Hereditary cutaneous melanoma. Identifiers: Orphanet 618, MedGen C1512419, MONDO:0018961.

Submission:

Labcorp Genetics (formerly Invitae), Labcorp
Classification: Uncertain significance for Familial melanoma. Last evaluated: 2024-02-20. Review status: criteria provided, single submitter. Criteria: Invitae Variant Classification Sherloc (09022015). Collection method: clinical testing. Allele origin: germline.
Comment: This sequence change falls in intron 4 of the CDK4 gene. It does not directly change the encoded amino acid sequence of the CDK4 protein. This variant is not present in population databases (gnomAD no frequency). This variant has not been reported in the literature in individuals affected with CDK4-related conditions. Algorithms developed to predict the effect of sequence changes on RNA splicing suggest that this variant may create or strengthen a splice site. In summary, the available evidence is currently insufficient to determine the role of this variant in disease. Therefore, it has been classified as a Variant of Uncertain Significance.

NM_000075.4(CDK4):c.522+13A>T

Gene: CDK4 (cyclin dependent kinase 4; minus strand). Cytogenetic location: 12q14.1.
Variant type: single nucleotide variant.
Coding change: c.522+13A>T on transcript NM_000075.4 (MANE Select); 13 bases into the intron after coding-DNA position 522, A replaced by T.
Molecular consequence: intron variant.
Genome position (GRCh38, 1-based): chr12:57,750,910, T>A on the plus strand (A>T on the coding strand, the complement: CDK4 is on the minus strand). VCF-style: chr12-57750910-T-A. GRCh37 (hg19) VCF-style: chr12-58144693-T-A.
Identifiers: ClinVar variation 3642203 (VCV003642203.2).